The following is an entry in ClinVar:

NM_000143.4(FH):c.748G>C (p.Gly250Arg)

Gene: FH (fumarate hydratase; minus strand). Cytogenetic location: 1q43.
Variant type: single nucleotide variant.
Coding change: c.748G>C on transcript NM_000143.4 (MANE Select); coding-DNA position 748, G replaced by C.
Protein change: p.Gly250Arg; replaces glycine 250 with arginine.
Molecular consequence: missense variant.
Genome position (GRCh38, 1-based): chr1:241,506,159, C>G on the plus strand (G>C on the coding strand, the complement: FH is on the minus strand). VCF-style: chr1-241506159-C-G. GRCh37 (hg19) VCF-style: chr1-241669459-C-G.
Other names: short protein forms G250R.
Identifiers: ClinVar variation 1387483 (VCV001387483.6), dbSNP rs2147917765, ClinGen allele CA345439108.

ClinVar aggregate classification (germline): Uncertain significance (1 of 4 stars; one submission).

Submission:

Labcorp Genetics (formerly Invitae), Labcorp
Classification: Uncertain significance. Last evaluated: 2021-10-16. Review status: criteria provided, single submitter. Criteria: Invitae Variant Classification Sherloc (09022015). Collection method: clinical testing. Allele origin: germline.
Comment: In summary, the available evidence is currently insufficient to determine the role of this variant in disease. Therefore, it has been classified as a Variant of Uncertain Significance. This sequence change replaces glycine with arginine at codon 250 of the FH protein (p.Gly250Arg). The glycine residue is highly conserved and there is a moderate physicochemical difference between glycine and arginine. This variant is not present in population databases (ExAC no frequency). This variant has not been reported in the literature in individuals affected with FH-related conditions. Advanced modeling of protein sequence and biophysical properties (such as structural, functional, and spatial information, amino acid conservation, physicochemical variation, residue mobility, and thermodynamic stability) performed at Invitae indicates that this missense variant is expected to disrupt FH protein function.